The following is an entry in ClinVar:

ClinVar aggregate classification (germline): Uncertain significance. Review status: criteria provided, multiple submitters, no conflicts (2 of 4 stars). 2 submissions from 2 submitters: Uncertain significance (2). Last evaluated 2025-03-21.

Conditions:
Fanconi anemia complementation group J. Also called: BRIP1-Related Fanconi Anemia. Identifiers: Orphanet 84, MedGen C1836860, MONDO:0012187, OMIM 609054.
Familial cancer of breast. Also called: BREAST CANCER, FAMILIAL; Hereditary breast cancer; hereditary breast carcinoma. Identifiers: Orphanet 227535, MedGen C0346153, MONDO:0016419, OMIM 114480. Disease mechanism: loss of function.

Submissions (2):

Dasa
Classification: Uncertain significance. Last evaluated: 2025-03-21. Review status: criteria provided, single submitter. Criteria: DASA Assertion Criteria. Collection method: clinical testing. Allele origin: germline.
Comment: NM_032043.3(BRIP1):c.3641A>C (p.Lys1214Thr) is a missense variant that results in the substitution of lysine with threonine. This variant is absent from population databases. Computational prediction algorithms are consistent with a benign effect. The currently available literature and clinical evidence are not sufficient to establish a definitive association between this variant and the reported condition. Therefore, this variant is classified as a variant of uncertain significance.

Labcorp Genetics (formerly Invitae), Labcorp
Classification: Uncertain significance for Familial cancer of breast; Fanconi anemia complementation group J. Last evaluated: 2023-07-12. Review status: criteria provided, single submitter. Criteria: Invitae Variant Classification Sherloc (09022015). Collection method: clinical testing. Allele origin: germline.
Comment: This sequence change replaces lysine, which is basic and polar, with threonine, which is neutral and polar, at codon 1214 of the BRIP1 protein (p.Lys1214Thr). This variant is not present in population databases (gnomAD no frequency). This variant has not been reported in the literature in individuals affected with BRIP1-related conditions. An algorithm developed to predict the effect of missense changes on protein structure and function (PolyPhen-2) suggests that this variant is likely to be tolerated. In summary, the available evidence is currently insufficient to determine the role of this variant in disease. Therefore, it has been classified as a Variant of Uncertain Significance.

NM_032043.3(BRIP1):c.3641A>C (p.Lys1214Thr)

Gene: BRIP1 (BRCA1 interacting DNA helicase 1; minus strand). Cytogenetic location: 17q23.2.
Variant type: single nucleotide variant.
Coding change: c.3641A>C on transcript NM_032043.3 (MANE Select); coding-DNA position 3641, A replaced by C.
Protein change: p.Lys1214Thr; replaces lysine 1214 with threonine.
Molecular consequence: missense variant.
Genome position (GRCh38, 1-based): chr17:61,683,405, T>G on the plus strand (A>C on the coding strand, the complement: BRIP1 is on the minus strand). VCF-style: chr17-61683405-T-G. GRCh37 (hg19) VCF-style: chr17-59760766-T-G.
Other names: short protein forms K1214T.
Identifiers: ClinVar variation 2949790 (VCV002949790.5), dbSNP rs2144069033, ClinGen allele CA400477923.